The following is an entry in ClinVar:

NM_012418.4(FSCN2):c.1337C>T (p.Ala446Val)

Gene: FSCN2 (fascin actin-bundling protein 2, retinal; plus strand). Cytogenetic location: 17q25.3.
Variant type: single nucleotide variant.
Coding change: c.1337C>T on transcript NM_012418.4 (MANE Select); coding-DNA position 1337, C replaced by T.
Protein change: p.Ala446Val; replaces alanine 446 with valine.
Molecular consequence: missense variant.
Genome position (GRCh38, 1-based): chr17:81,536,938, C>T. VCF-style: chr17-81536938-C-T. GRCh37 (hg19) VCF-style: chr17-79503964-C-T.
Other names: c.1409C>T, p.Ala470Val (NM_001077182.3); short protein forms A446V, A470V.
Identifiers: ClinVar variation 3605363 (VCV003605363.2).
Genomic context (GRCh38, chr17:81,536,938, plus strand): 5'-GCGACGGAGGGTTCTGGTACACGGGCAGCCACGGCAGCGTGTGCAGCGACGGCGAACGCG[C>T]CGAGGACTTCGTCTTCGAGTTCCGTGAGCGCGGCCGCCTGGCCATCCGCGCCCGGAGCGG-3'
Protein context (NP_036550.1, residues 436-456): HGSVCSDGER[Ala446Val]EDFVFEFRER

ClinVar aggregate classification (germline): Uncertain significance (1 of 4 stars; one submission).

gnomAD v4.1: 1 of 1,571,476 alleles (0.000064%); highest among the groups gnomAD compares: Non-Finnish European, 0.000086%; no homozygotes.

Submission:

Labcorp Genetics (formerly Invitae), Labcorp
Classification: Uncertain significance. Last evaluated: 2025-06-02. Review status: criteria provided, single submitter. Criteria: Invitae Variant Classification Sherloc (09022015). Collection method: clinical testing. Allele origin: germline.
Comment: This sequence change replaces alanine, which is neutral and non-polar, with valine, which is neutral and non-polar, at codon 470 of the FSCN2 protein (p.Ala470Val). This variant is not present in population databases (gnomAD no frequency). This variant has not been reported in the literature in individuals affected with FSCN2-related conditions. ClinVar contains an entry for this variant (Variation ID: 3605363). An algorithm developed to predict the effect of missense changes on protein structure and function (PolyPhen-2) suggests that this variant is likely to be tolerated. In summary, the available evidence is currently insufficient to determine the role of this variant in disease. Therefore, it has been classified as a Variant of Uncertain Significance.